The following is an entry in ClinVar:

ClinVar aggregate classification (germline): Uncertain significance (1 of 4 stars; one submission).

gnomAD v4.1: 2 of 1,608,816 alleles (0.00012%); highest among the groups gnomAD compares: African/African-American, 0.0027%; no homozygotes.

Submission:

Labcorp Genetics (formerly Invitae), Labcorp
Classification: Uncertain significance. Last evaluated: 2023-07-13. Review status: criteria provided, single submitter. Criteria: Invitae Variant Classification Sherloc (09022015). Collection method: clinical testing. Allele origin: germline.
Comment: This sequence change replaces proline, which is neutral and non-polar, with threonine, which is neutral and polar, at codon 896 of the PCLO protein (p.Pro896Thr). This variant is present in population databases (no rsID available, gnomAD 0.01%). This variant has not been reported in the literature in individuals affected with PCLO-related conditions. Algorithms developed to predict the effect of missense changes on protein structure and function output the following: SIFT: "Not Available"; PolyPhen-2: "Not Available"; Align-GVGD: "Not Available". The threonine amino acid residue is found in multiple mammalian species, which suggests that this missense change does not adversely affect protein function. In summary, the available evidence is currently insufficient to determine the role of this variant in disease. Therefore, it has been classified as a Variant of Uncertain Significance.

NM_033026.6(PCLO):c.2686C>A (p.Pro896Thr)

Gene: PCLO (piccolo presynaptic cytomatrix protein; minus strand). Cytogenetic location: 7q21.11.
Variant type: single nucleotide variant.
Coding change: c.2686C>A on transcript NM_033026.6 (MANE Select); coding-DNA position 2686, C replaced by A.
Protein change: p.Pro896Thr; replaces proline 896 with threonine.
Molecular consequence: missense variant.
Genome position (GRCh38, 1-based): chr7:83,134,864, G>T on the plus strand (C>A on the coding strand, the complement: PCLO is on the minus strand). VCF-style: chr7-83134864-G-T. GRCh37 (hg19) VCF-style: chr7-82764180-G-T.
Other names: c.2686C>A, p.Pro896Thr (NM_014510.3); short protein forms P896T.
Identifiers: ClinVar variation 2743086 (VCV002743086.3), dbSNP rs369189035, ClinGen allele CA161172336.